The following is an entry in ClinVar:

NM_001457.4(FLNB):c.2996G>A (p.Arg999Gln)

Gene: FLNB (filamin B; plus strand). Cytogenetic location: 3p14.3.
Variant type: single nucleotide variant.
Coding change: c.2996G>A on transcript NM_001457.4 (MANE Select); coding-DNA position 2996, G replaced by A.
Protein change: p.Arg999Gln; replaces arginine 999 with glutamine.
Molecular consequence: missense variant.
Genome position (GRCh38, 1-based): chr3:58,121,373, G>A. VCF-style: chr3-58121373-G-A. GRCh37 (hg19) VCF-style: chr3-58107100-G-A.
Other names: c.2996G>A, p.Arg999Gln (NM_001164317.2, NM_001164318.2, NM_001164319.2); short protein forms R999Q.
Identifiers: ClinVar variation 1328287 (VCV001328287.5), dbSNP rs755928543, ClinGen allele CA2468298.

ClinVar aggregate classification (germline): Uncertain significance. Review status: criteria provided, multiple submitters, no conflicts (2 of 4 stars). 4 submissions from 4 submitters: Uncertain significance (2). 2 of the submissions do not count toward it. Last evaluated 2023-12-10.

Conditions:
Atelosteogenesis type I. Also called: Atelosteogenesis Type 1 (FLNB-AO1); GIANT CELL CHONDRODYSPLASIA; SPONDYLOHUMEROFEMORAL HYPOPLASIA. Identifiers: Orphanet 1190, MedGen C0265283, MONDO:0007167, OMIM 108720.
Boomerang dysplasia. Identifiers: Orphanet 1263, MedGen C0432201, MONDO:0007208, OMIM 112310.
Atelosteogenesis type III. Also called: Atelosteogenesis Type 3 (FLNB-AO3). Identifiers: Orphanet 56305, MedGen C3668942, MONDO:0007168, OMIM 108721.
Larsen syndrome (LRS). Also called: Bilateral dislocation of the knees, pes cavus, cylindrically shaped fingers and characteristic facies; Larsen syndrome (FLNB-LS). Identifiers: Orphanet 503, MedGen C0175778, MONDO:0007875, OMIM 150250. Disease mechanism: loss of function.
Spondylocarpotarsal synostosis syndrome (SCT). Also called: Spondylocarpotarsal Synostosis Syndrome (FLNB-SCT); SPONDYLOCARPOTARSAL SYNDROME; VERTEBRAL FUSION WITH CARPAL COALITION; Synspondylism congenital; Scoliosis, congenital with unilateral unsegmented bar. Identifiers: Orphanet 3275, MedGen C1848934, MONDO:0010094, OMIM 272460.

Allele frequency attached by ClinVar (database versions not stated): TOPMed 0.00002.
gnomAD v4.1: 37 of 1,614,026 alleles (0.0023%); highest among the groups gnomAD compares: Middle Eastern, 0.016%; no homozygotes.

Submissions (4):

Labcorp Genetics (formerly Invitae), Labcorp
Classification: Uncertain significance. Last evaluated: 2023-12-10. Review status: criteria provided, single submitter. Criteria: Invitae Variant Classification Sherloc (09022015). Collection method: clinical testing. Allele origin: germline.
Comment: This sequence change replaces arginine, which is basic and polar, with glutamine, which is neutral and polar, at codon 999 of the FLNB protein (p.Arg999Gln). This variant is present in population databases (rs755928543, gnomAD 0.005%). This variant has not been reported in the literature in individuals affected with FLNB-related conditions. ClinVar contains an entry for this variant (Variation ID: 1328287). Advanced modeling of protein sequence and biophysical properties (such as structural, functional, and spatial information, amino acid conservation, physicochemical variation, residue mobility, and thermodynamic stability) performed at Invitae indicates that this missense variant is not expected to disrupt FLNB protein function with a negative predictive value of 95%. In summary, the available evidence is currently insufficient to determine the role of this variant in disease. Therefore, it has been classified as a Variant of Uncertain Significance.

Fulgent Genetics
Classification: Uncertain significance for Atelosteogenesis type I; Atelosteogenesis type III; Boomerang dysplasia; Larsen syndrome; Spondylocarpotarsal synostosis syndrome. Last evaluated: 2022-03-29. Review status: criteria provided, single submitter. Criteria: ACMG Guidelines, 2015. Collection method: clinical testing. Allele origin: unknown.

Clinical Genetics DNA and cytogenetics Diagnostics Lab, Erasmus MC, Erasmus Medical Center
Classification: Uncertain significance. Review status: no assertion criteria provided. Collection method: clinical testing. Allele origin: germline. Affected: yes. Study: VKGL Data-share Consensus. Not counted in ClinVar's aggregate classification.

Laboratory of Diagnostic Genome Analysis, Leiden University Medical Center (LUMC)
Classification: Uncertain significance. Review status: no assertion criteria provided. Collection method: clinical testing. Allele origin: germline. Affected: yes. Study: VKGL Data-share Consensus. Not counted in ClinVar's aggregate classification.